The following is an entry in ClinVar:

NM_001122955.4(BSCL2):c.1299TTCTGC[3] (p.434SA[3])

Genes: BSCL2 (BSCL2 lipid droplet biogenesis associated, seipin; minus strand), HNRNPUL2-BSCL2 (HNRNPUL2-BSCL2 readthrough (NMD candidate); minus strand). Cytogenetic location: 11q12.3.
Variant type: Microsatellite.
Coding change: c.1299TTCTGC[3] on transcript NM_001122955.4 (MANE Select); three copies in a row of the 6-base unit TTCTGC starting at c.1299; the reference has two copies in a row; one copy, 6 bases duplicated.
Protein change: p.434SA[3].
Molecular consequence: inframe insertion. On other transcripts: non-coding transcript variant (1), 3 prime UTR variant (1).
Genome position (GRCh38, 1-based): chr11:62,690,446-62,690,451, GCAGAA duplicated on the plus strand (TTCTGC on the coding strand, the reverse complement: BSCL2 is on the minus strand); duplicating any 6 consecutive bases within chr11:62,690,446-62,690,461 gives the same sequence; the position shown is the placement nearest the transcript's 3' end. VCF-style (leftmost placement, unchanged base first): chr11-62690445-G-GGCAGAA. GRCh37 (hg19) VCF-style: chr11-62457917-G-GGCAGAA.
Other names: c.*101TTCTGC[3] (NM_001130702.2); c.1305TTCTGC[3], p.436SA[3] (NM_001386027.1); c.1299TTCTGC[3], p.434SA[3] (NM_001386028.1); c.1107TTCTGC[3], p.370SA[3] (NM_032667.6); c.1113_1118dup (NM_032667.6); c.1305_1310dup6 (NM_001122955.3).
Identifiers: ClinVar variation 646533 (VCV000646533.13), dbSNP rs747175358, ClinGen allele CA6053252.

ClinVar aggregate classification (germline): Uncertain significance. Review status: criteria provided, multiple submitters, no conflicts (2 of 4 stars). 4 submissions from 4 submitters: Uncertain significance (4). Last evaluated 2026-09-08.

Conditions:
BSCL2-related disorder. Also called: BSCL2-related condition; BSCL2-Related Disorders.
Hereditary spastic paraplegia 17. Also called: SPASTIC PARAPLEGIA WITH AMYOTROPHY OF HANDS AND FEET; Silver spastic paraplegia syndrome; Spastic Paraplegia 17; Autosomal dominant spastic paraplegia type 17; Silver Syndrome. Identifiers: Orphanet 100998, MedGen C2931276, MONDO:0010043, OMIM 270685.
Severe neurodegenerative syndrome with lipodystrophy. Also called: Encephalopathy, progressive, with or without lipodystrophy; ENCEPHALOPATHY, PROGRESSIVE, WITH LIPODYSTROPHY. Identifiers: Orphanet 363400, MedGen C4014700, MONDO:0014402, OMIM 615924.
Neuronopathy, distal hereditary motor, type 5C. Also called: NEURONOPATHY, DISTAL HEREDITARY MOTOR, HARDING TYPE VC; NEUROPATHY, DISTAL HEREDITARY MOTOR, HARDING TYPE VC; SPINAL MUSCULAR ATROPHY, DISTAL, HARDING TYPE VC; NEURONOPATHY, DISTAL HEREDITARY MOTOR, AUTOSOMAL DOMINANT 13; DHMN VC. Identifiers: MedGen C5436838, MONDO:0030860, OMIM 619112.
Congenital generalized lipodystrophy type 2 (CGL2). Also called: Berardinelli-Seip Congenital Lipodystrophy Type 2; BERARDINELLI SYNDROME; BRUNZELL SYNDROME, BSCL2-RELATED; SEIP SYNDROME. Identifiers: Orphanet 528, Orphanet 696289, MedGen C1720863, MONDO:0010020, OMIM 269700.
Charcot-Marie-Tooth disease type 2. Also called: Charcot-Marie-Tooth type 2. Identifiers: Orphanet 64746, MedGen C0270914, MONDO:0018993.

Submissions (4):

PreventionGenetics, part of Exact Sciences
Classification: Uncertain significance for BSCL2-related condition. Last evaluated: 2026-09-08. Review status: criteria provided, single submitter. Criteria: ACMG Guidelines, 2015. Collection method: clinical testing. Allele origin: germline.
Comment: The BSCL2 c.1305_1310dup6 variant is predicted to result in an in-frame duplication (p.Ser436_Ala437dup). To our knowledge, this variant has not been reported in the literature. This variant is reported in 0.010% of alleles in individuals of East Asian descent in gnomAD. At this time, the clinical significance of this variant is uncertain due to the absence of conclusive functional and genetic evidence.

GeneDx
Classification: Uncertain significance. Last evaluated: 2025-12-09. Review status: criteria provided, single submitter. Criteria: GeneDx Variant Classification Process June 2021. Collection method: clinical testing. Allele origin: germline. Affected: yes.
Comment: In-frame duplication of 2 amino acid(s) in a non-repeat region; Has not been previously published as pathogenic or benign to our knowledge

Labcorp Genetics (formerly Invitae), Labcorp
Classification: Uncertain significance for Charcot-Marie-Tooth disease type 2. Last evaluated: 2025-10-02. Review status: criteria provided, single submitter. Criteria: Invitae Variant Classification Sherloc (09022015). Collection method: clinical testing. Allele origin: germline.
Comment: This variant, c.1113_1118dup, results in the insertion of 2 amino acid(s) of the BSCL2 protein (p.Ser372_Ala373dup), but otherwise preserves the integrity of the reading frame. The frequency data for this variant in the population databases is considered unreliable, as metrics indicate poor data quality at this position in the gnomAD database. This variant has not been reported in the literature in individuals affected with BSCL2-related conditions. ClinVar contains an entry for this variant (Variation ID: 646533). Experimental studies and prediction algorithms are not available or were not evaluated, and the functional significance of this variant is currently unknown. In summary, the available evidence is currently insufficient to determine the role of this variant in disease. Therefore, it has been classified as a Variant of Uncertain Significance.

Fulgent Genetics
Classification: Uncertain significance for Congenital generalized lipodystrophy type 2; Hereditary spastic paraplegia 17; Severe neurodegenerative syndrome with lipodystrophy; Neuronopathy, distal hereditary motor, type 5C. Last evaluated: 2021-12-20. Review status: criteria provided, single submitter. Criteria: ACMG Guidelines, 2015. Collection method: clinical testing. Allele origin: unknown.